The following is an entry in ClinVar:

NM_201548.5(CERKL):c.1567_1582del (p.Gly523fs)

Genes: CERKL (ceramide kinase like; minus strand), ITGA4 (integrin subunit alpha 4; plus strand). Cytogenetic location: 2q31.3.
Variant type: Deletion.
Coding change: c.1567_1582del on transcript NM_201548.5 (MANE Select); coding-DNA positions 1567 to 1582, 16 bases deleted (GGAGGAAGCATGGAAG).
Protein change: p.Gly523fs; shifts the reading frame from glycine 523.
Molecular consequence: frameshift variant. On other transcripts: 3 prime UTR variant (1), non-coding transcript variant (2).
Genome position (GRCh38, 1-based): chr2:181,538,201-181,538,216, CTTCCATGCTTCCTCC deleted on the plus strand (GGAGGAAGCATGGAAG on the coding strand, the reverse complement: CERKL is on the minus strand). VCF-style (leftmost placement, unchanged base first): chr2-181538200-TCTTCCATGCTTCCTCC-T. GRCh37 (hg19) VCF-style: chr2-182402927-TCTTCCATGCTTCCTCC-T.
Other names: c.*2674_*2689del (NM_000885.6); c.1645_1660del, p.Gly549fs (NM_001030311.3); c.1228_1243del, p.Gly410fs (NM_001030312.3); c.1360_1375del, p.Gly454fs (NM_001030313.3); c.1513_1528del, p.Gly505fs (NM_001160277.2); short protein forms G505fs, G549fs, G410fs, G454fs, G523fs.
Identifiers: ClinVar variation 939497 (VCV000939497.3), dbSNP rs1201134402, ClinGen allele CA761578340.

ClinVar aggregate classification (germline): Uncertain significance (1 of 4 stars; one submission).

Allele frequency attached by ClinVar (database versions not stated): TOPMed below 0.00001.

Submission:

Labcorp Genetics (formerly Invitae), Labcorp
Classification: Uncertain significance. Last evaluated: 2019-09-05. Review status: criteria provided, single submitter. Criteria: Invitae Variant Classification Sherloc (09022015). Collection method: clinical testing. Allele origin: germline.
Comment: This sequence change results in a premature translational stop signal in the CERKL gene (p.Gly549Lysfs*2). While this is not anticipated to result in nonsense mediated decay, it is expected to disrupt the last 10 amino acids of the CERKL protein. This variant is not present in population databases (ExAC no frequency). This variant has not been reported in the literature in individuals with CERKL-related conditions. In summary, the available evidence is currently insufficient to determine the role of this variant in disease. Therefore, it has been classified as a Variant of Uncertain Significance.